The following is an entry in ClinVar:

NC_000002.11:g.(?_152466303)_(152955525_?)del

Genes: ARL5A (ARF like GTPase 5A; minus strand), CACNB4 (calcium voltage-gated channel auxiliary subunit beta 4; minus strand), NEB (nebulin; minus strand). Cytogenetic location: 2q23.3.
Variant type: Deletion.
Identifiers: ClinVar variation 2424064 (VCV002424064.4).

ClinVar aggregate classification (germline): Pathogenic (1 of 4 stars; one submission).

Conditions:
Nemaline myopathy 2 (NEM2). Also called: Nemaline myopathy 2, autosomal recessive. Identifiers: MedGen C1850569, MONDO:0009725, OMIM 256030.

Submission:

Labcorp Genetics (formerly Invitae), Labcorp
Classification: Pathogenic for Nemaline myopathy 2. Last evaluated: 2023-05-15. Review status: criteria provided, single submitter. Criteria: Invitae Variant Classification Sherloc (09022015). Collection method: clinical testing. Allele origin: germline.
Comment: For these reasons, this variant has been classified as Pathogenic. This variant has not been reported in the literature in individuals affected with NEB-related conditions. This variant is a gross deletion of the genomic region encompassing exon(s) 1-81 of the NEB gene, which includes the initiator codon. This deletion extends beyond the assayed region for this gene and therefore may encompass additional genes. It is expected to result in an absent or disrupted protein product. Loss-of-function variants in NEB are known to be pathogenic (PMID: 25205138).

Literature cited by the submitters: PubMed 25205138.